The following is an entry in ClinVar:

NM_000384.3(APOB):c.10240G>A (p.Val3414Met)

Gene: APOB (apolipoprotein B; minus strand). Cytogenetic location: 2p24.1.
Variant type: single nucleotide variant.
Coding change: c.10240G>A on transcript NM_000384.3 (MANE Select); coding-DNA position 10240, G replaced by A.
Protein change: p.Val3414Met; replaces valine 3414 with methionine.
Molecular consequence: missense variant.
Genome position (GRCh38, 1-based): chr2:21,006,628, C>T on the plus strand (G>A on the coding strand, the complement: APOB is on the minus strand). VCF-style: chr2-21006628-C-T. GRCh37 (hg19) VCF-style: chr2-21229500-C-T.
Other names: short protein forms V3414M.
Identifiers: ClinVar variation 477787 (VCV000477787.12), dbSNP rs749800586, ClinGen allele CA042827.

ClinVar aggregate classification (germline): Uncertain significance. Review status: criteria provided, multiple submitters, no conflicts (2 of 4 stars). 2 submissions from 2 submitters: Uncertain significance (2). Last evaluated 2025-02-13.

Conditions:
Hypercholesterolemia, autosomal dominant, type B (FHCL2). Also called: APOB-Related Familial Hypercholesterolemia, Autosomal Dominant; Hyperlipoproteinemia Type IIb; Familial Hypercholesterolemia Type B; APOLIPOPROTEIN B-100, FAMILIAL DEFECTIVE; APOLIPOPROTEIN B-100, FAMILIAL LIGAND-DEFECTIVE; HYPERCHOLESTEROLEMIA, FAMILIAL, DUE TO LIGAND-DEFECTIVE APOLIPOPROTEIN B. Identifiers: MedGen C1704417, MONDO:0007751, OMIM 144010.
Familial hypobetalipoproteinemia 1. Also called: Hypobetalipoproteinemia, normotriglyceridemic; Acanthocytosis with hypobetalipoproteinemia; APOB-Related Familial Hypobetalipoproteinemia. Identifiers: MedGen C4551990, MONDO:0014252, OMIM 615558.
Cardiovascular phenotype. Identifiers: MedGen CN230736.

Allele frequency attached by ClinVar (database versions not stated): gnomAD exomes below 0.00001; ExAC 0.00001.

Submissions (2):

Ambry Genetics
Classification: Uncertain significance for Cardiovascular phenotype. Last evaluated: 2025-02-13. Review status: criteria provided, single submitter. Criteria: Ambry Variant Classification Scheme 2023. Collection method: clinical testing. Allele origin: germline.
Comment: The p.V3414M variant (also known as c.10240G>A), located in coding exon 26 of the APOB gene, results from a G to A substitution at nucleotide position 10240. The valine at codon 3414 is replaced by methionine, an amino acid with highly similar properties. This amino acid position is conserved. In addition, this alteration is predicted to be tolerated by in silico analysis. Based on the available evidence, the clinical significance of this variant remains unclear.

Labcorp Genetics (formerly Invitae), Labcorp
Classification: Uncertain significance for Familial hypobetalipoproteinemia 1; Hypercholesterolemia, autosomal dominant, type B. Last evaluated: 2023-05-15. Review status: criteria provided, single submitter. Criteria: Invitae Variant Classification Sherloc (09022015). Collection method: clinical testing. Allele origin: germline.
Comment: In summary, the available evidence is currently insufficient to determine the role of this variant in disease. Therefore, it has been classified as a Variant of Uncertain Significance. Advanced modeling of protein sequence and biophysical properties (such as structural, functional, and spatial information, amino acid conservation, physicochemical variation, residue mobility, and thermodynamic stability) performed at Invitae indicates that this missense variant is not expected to disrupt APOB protein function. ClinVar contains an entry for this variant (Variation ID: 477787). This variant has not been reported in the literature in individuals affected with APOB-related conditions. This variant is present in population databases (rs749800586, gnomAD 0.0009%). This sequence change replaces valine, which is neutral and non-polar, with methionine, which is neutral and non-polar, at codon 3414 of the APOB protein (p.Val3414Met).